The following is an entry in ClinVar:

NM_015158.5(KANK1):c.2896+2T>G

Gene: KANK1 (KN motif and ankyrin repeat domains 1; plus strand). Cytogenetic location: 9p24.3.
Variant type: single nucleotide variant.
Coding change: c.2896+2T>G on transcript NM_015158.5 (MANE Select); the canonical splice donor site of the intron after coding-DNA position 2896, T replaced by G.
Molecular consequence: splice donor variant. On other transcripts: intron variant (5).
Genome position (GRCh38, 1-based): chr9:730,250, T>G. VCF-style: chr9-730250-T-G. GRCh37 (hg19) VCF-style: chr9-730250-T-G.
Other names: c.2896+2T>G (NM_001256876.3, NM_001354334.2, NM_001256877.3 and 1 more transcripts); c.2422+2T>G (NM_001354333.2, NM_001354335.2, NM_001354337.2 and 5 more transcripts); c.2842+56T>G (NM_001354332.2); c.2368+56T>G (NM_001354336.2, NM_001354338.2, NM_001354340.2 and 1 more transcripts).
Identifiers: ClinVar variation 1418348 (VCV001418348.5), dbSNP rs149121553, ClinGen allele CA4960649.

ClinVar aggregate classification (germline): Uncertain significance. Review status: criteria provided, multiple submitters, no conflicts (2 of 4 stars). 2 submissions from 2 submitters: Uncertain significance (2). Last evaluated 2026-01-24.

Conditions:
Cerebral palsy, spastic quadriplegic, 2 (CPSQ2). Identifiers: Orphanet 210141, MedGen C2752061, MONDO:0013033, OMIM 612900.

Allele frequency attached by ClinVar (database versions not stated): ExAC 0.00002; 1000 Genomes Project 30x 0.00031; 1000 Genomes Project 0.00040.
gnomAD v4.1: 108 of 1,614,132 alleles (0.0067%); highest among the groups gnomAD compares: East Asian, 0.24%; no homozygotes.

Submissions (2):

Labcorp Genetics (formerly Invitae), Labcorp
Classification: Uncertain significance. Last evaluated: 2026-01-24. Review status: criteria provided, single submitter. Criteria: Invitae Variant Classification Sherloc (09022015). Collection method: clinical testing. Allele origin: germline.
Comment: This sequence change affects a donor splice site in intron 4 of the KANK1 gene. It is expected to disrupt RNA splicing. Variants that disrupt the donor or acceptor splice site typically lead to a loss of protein function (PMID: 16199547), however the current clinical and genetic evidence is not sufficient to establish whether loss-of-function variants in KANK1 cause disease. This variant is present in population databases (rs149121553, gnomAD 0.03%). This variant has not been reported in the literature in individuals affected with KANK1-related conditions. ClinVar contains an entry for this variant (Variation ID: 1418348). Algorithms developed to predict the effect of sequence changes on RNA splicing suggest that this variant may disrupt the consensus splice site. In summary, the available evidence is currently insufficient to determine the role of this variant in disease. Therefore, it has been classified as a Variant of Uncertain Significance.

Fulgent Genetics
Classification: Uncertain significance for Cerebral palsy, spastic quadriplegic, 2. Last evaluated: 2021-10-21. Review status: criteria provided, single submitter. Criteria: ACMG Guidelines, 2015. Collection method: clinical testing. Allele origin: unknown.

Literature cited by the submitters: PubMed 16199547 (cited by Labcorp Genetics (formerly Invitae), Labcorp).